The following is an entry in ClinVar:

NM_018006.5(TRMU):c.706-7_706del

Gene: TRMU (tRNA mitochondrial 2-thiouridylase; plus strand). Cytogenetic location: 22q13.31.
Variant type: Deletion.
Coding change: c.706-7_706del on transcript NM_018006.5 (MANE Select); 7 bases into the intron before coding-DNA position 706 through coding-DNA position 706, 8 bases deleted (TTTCCAGT; older notation c.706-7_706delTTTCCAGT).
Molecular consequence: splice acceptor variant.
Genome position (GRCh38, 1-based): chr22:46,352,257-46,352,264, TTTCCAGT deleted; deleting any 8 consecutive bases within chr22:46,352,255-46,352,264 gives the same sequence; the c. name uses the placement nearest the transcript's 3' end. VCF-style (leftmost placement, unchanged base first): chr22-46352254-TGTTTTCCA-T. GRCh37 (hg19) VCF-style: chr22-46748151-TGTTTTCCA-T.
Other names: c.706-7_706del (NM_001282785.2); c.364-7_364del (NM_001282782.2); c.286-7_286del (NM_001282783.2, NM_001282784.2).
Identifiers: ClinVar variation 4815998 (VCV004815998.1).
Genomic context (GRCh38, chr22:46,352,254, plus strand): 5'-ACAAAGAGATGGGGCTGCGTGTCTGCCCTGGGCCTAGATCTCCGTCGGTAATGACATGTT[TGTTTTCCA>T]GTATCTGCAGCCTCGACCTGGTCACTTTATTTCCATAGAAGACAATAAGGTTCTGGGAAC-3'

ClinVar aggregate classification (germline): Pathogenic (1 of 4 stars; one submission).

Conditions:
Acute infantile liver failure due to synthesis defect of mtDNA-encoded proteins. Also called: Liver failure acute infantile; LIVER FAILURE, INFANTILE, TRANSIENT; TRMU Deficiency. Identifiers: Orphanet 217371, MedGen C3278664, MONDO:0013111, OMIM 613070.

Submission:

Natera, Inc.
Classification: Pathogenic for Acute infantile liver failure due to synthesis defect of mtDNA-encoded proteins. Last evaluated: 2024-09-21. Review status: criteria provided, single submitter. Criteria: Natera Variant Classification Schema (03/2026). Collection method: clinical testing. Allele origin: germline.
Comment: The c.706-7_706del variant in TRMU is a frameshift variant predicted to shift the reading frame and introduce a stop codon. This variant is expected to result in nonsense mediated decay, truncation, or a dysfunctional protein product. This variant is rare in the general population with a frequency below the threshold expected for the associated phenotype(s). Another variant at this same site results in an alteration predicted to cause a similar molecular effect has been observed in individual(s) with the associated phenotype. Given the available evidence, this variant is classified as Pathogenic.